The following is an entry in ClinVar:

NM_024006.6(VKORC1):c.*134G>A

Gene: VKORC1 (vitamin K epoxide reductase complex subunit 1; minus strand). Cytogenetic location: 16p11.2.
Variant type: single nucleotide variant.
Coding change: c.*134G>A on transcript NM_024006.6 (MANE Select); 134 bases downstream of the stop codon, G replaced by A.
Molecular consequence: 3 prime UTR variant.
Genome position (GRCh38, 1-based): chr16:31,091,000, C>T on the plus strand (G>A on the coding strand, the complement: VKORC1 is on the minus strand). VCF-style: chr16-31091000-C-T. GRCh37 (hg19) VCF-style: chr16-31102321-C-T.
Other names: c.*134G>A (NM_001311311.2); c.*237G>A (NM_206824.3).
Identifiers: ClinVar variation 226016 (VCV000226016.9), dbSNP rs7294, ClinGen allele CA10576177.

ClinVar aggregate classification (germline): drug response. Review status: reviewed by expert panel (3 of 4 stars). 3 submissions from 3 submitters: drug response (1). 2 of the submissions do not count toward it. Last evaluated 2021-03-24.

Conditions:
Vitamin K-dependent clotting factors, combined deficiency of, type 2. Identifiers: Orphanet 98434, MedGen C1843832, MONDO:0011837, OMIM 607473.
warfarin response - Dosage. Identifiers: MedGen CN322729.

Allele frequency attached by ClinVar (database versions not stated): gnomAD exomes 0.39045; TOPMed 0.39468; gnomAD 0.39850 and 0.40418; 1000 Genomes Project 0.41973; 1000 Genomes Project 30x 0.42661.
gnomAD v4.1: 558,160 of 1,426,034 alleles (39%); highest among the groups gnomAD compares: South Asian, 69%; 115,871 homozygotes.

Submissions (3):

ClinPGx
Classification: drug response for warfarin response - Dosage. Last evaluated: 2021-03-24. Review status: reviewed by expert panel. Criteria: Pharmacogenomics knowledge for personalized medicine. Collection method: curation. Allele origin: germline. Affected: yes.
Comment: PharmGKB Level of Evidence 1B: Level 1B clinical annotations describe variant-drug combinations with a high level of evidence supporting the association but no variant-specific prescribing guidance in an annotated clinical guideline or FDA drug label. Level 1B clinical annotations must be supported by at least two independent publications.

Labcorp Genetics (formerly Invitae), Labcorp
Classification: Benign. Last evaluated: 2025-06-26. Review status: criteria provided, single submitter. Criteria: Invitae Variant Classification Sherloc (09022015). Collection method: clinical testing. Allele origin: germline. Not counted in ClinVar's aggregate classification.

Illumina Laboratory Services, Illumina
Classification: Benign for Vitamin K-dependent clotting factors, combined deficiency of, type 2. Last evaluated: 2018-01-12. Review status: criteria provided, single submitter. Criteria: ICSL Variant Classification Criteria 13 December 2019. Collection method: clinical testing. Allele origin: germline. Not counted in ClinVar's aggregate classification.
Comment: This variant was observed in the ICSL laboratory as part of a predisposition screen in an ostensibly healthy population. It had not been previously curated by ICSL or reported in the Human Gene Mutation Database (HGMD: prior to June 1st, 2018), and was therefore a candidate for classification through an automated scoring system. Utilizing variant allele frequency, disease prevalence and penetrance estimates, and inheritance mode, an automated score was calculated to assess if this variant is too frequent to cause the disease. Based on the score and internal cut-off values, a variant classified as benign is not then subjected to further curation. The score for this variant resulted in a classification of benign for this disease.

Literature cited by the submitters: PubMed 15358623 (cited by ClinPGx); PubMed 15883587 (cited by ClinPGx); PubMed 16270629 (cited by ClinPGx); PubMed 16611750 (cited by ClinPGx); PubMed 16676068 (cited by ClinPGx); PubMed 17049586 (cited by ClinPGx); PubMed 18466099 (cited by ClinPGx); PubMed 20128861 (cited by ClinPGx); PubMed 20653676 (cited by ClinPGx); PubMed 21127708 (cited by ClinPGx); PubMed 21326313 (cited by ClinPGx); PubMed 21635147 (cited by ClinPGx); PubMed 22349464 (cited by ClinPGx); PubMed 23208322 (cited by ClinPGx); PubMed 23990957 (cited by ClinPGx); PubMed 24019055 (cited by ClinPGx); PubMed 25084205 (cited by ClinPGx); PubMed 25126975 (cited by ClinPGx); PubMed 25594941 (cited by ClinPGx).